The following is an entry in ClinVar:

NM_001368894.2(PAX6):c.359T>C (p.Leu120Ser)

Gene: PAX6 (paired box 6; minus strand). Cytogenetic location: 11p13.
Variant type: single nucleotide variant.
Coding change: c.359T>C on transcript NM_001368894.2 (MANE Select); coding-DNA position 359, T replaced by C.
Protein change: p.Leu120Ser; replaces leucine 120 with serine.
Molecular consequence: missense variant. On other transcripts: 5 prime UTR variant (14), non-coding transcript variant (2), intron variant (8).
Genome position (GRCh38, 1-based): chr11:31,801,601, A>G on the plus strand (T>C on the coding strand, the complement: PAX6 is on the minus strand). VCF-style: chr11-31801601-A-G. GRCh37 (hg19) VCF-style: chr11-31823149-A-G.
Other names: c.-92T>C (NM_001310161.3, NM_001368899.2, NM_001368900.2 and 8 more transcripts); c.317T>C, p.Leu106Ser (NM_001368887.2, NM_001368888.2, NM_001368889.2 and 10 more transcripts); c.359T>C, p.Leu120Ser (NM_001368892.2, NM_001368893.2, NM_001368912.2 and 6 more transcripts); c.-423T>C (NM_001368902.2, NM_001368905.2, NM_001310160.2); c.560T>C, p.Leu187Ser (NM_001368910.2); c.362T>C, p.Leu121Ser (NM_001368911.2); c.434T>C, p.Leu145Ser (NM_001368918.2, NM_001368919.2); c.392T>C, p.Leu131Ser (NM_001368920.2); and 2 more; short protein forms L131S, L106S, L187S, L120S, L121S, L145S.
Identifiers: ClinVar variation 2024203 (VCV002024203.4), dbSNP rs2496124596, ClinGen allele CA379958520.

ClinVar aggregate classification (germline): Pathogenic (1 of 4 stars; one submission).

Conditions:
Aniridia 1 (AN1). Identifiers: Orphanet 250923, MedGen C0344542, MONDO:0024507, OMIM 106210.
Irido-corneo-trabecular dysgenesis (ASGD5). Also called: ANTERIOR SEGMENT DYSGENESIS 5. Identifiers: Orphanet 708, MedGen C0344559, MONDO:0011414, OMIM 604229, HP:0000659.

Submission:

Labcorp Genetics (formerly Invitae), Labcorp
Classification: Pathogenic for Aniridia 1; Irido-corneo-trabecular dysgenesis. Last evaluated: 2025-05-13. Review status: criteria provided, single submitter. Criteria: Invitae Variant Classification Sherloc (09022015). Collection method: clinical testing. Allele origin: germline.
Comment: This sequence change replaces leucine, which is neutral and non-polar, with serine, which is neutral and polar, at codon 106 of the PAX6 protein (p.Leu106Ser). This variant is not present in population databases (gnomAD no frequency). This missense change has been observed in individual(s) with aniridia (internal data). It has also been observed to segregate with disease in related individuals. ClinVar contains an entry for this variant (Variation ID: 2024203). Invitae Evidence Modeling of protein sequence and biophysical properties (such as structural, functional, and spatial information, amino acid conservation, physicochemical variation, residue mobility, and thermodynamic stability) indicates that this missense variant is expected to disrupt PAX6 protein function with a positive predictive value of 80%. For these reasons, this variant has been classified as Pathogenic.